The following is an entry in ClinVar:

NM_006904.7(PRKDC):c.868T>C (p.Tyr290His)

Gene: PRKDC (protein kinase, DNA-activated, catalytic subunit; minus strand). Cytogenetic location: 8q11.21.
Variant type: single nucleotide variant.
Coding change: c.868T>C on transcript NM_006904.7 (MANE Select); coding-DNA position 868, T replaced by C.
Protein change: p.Tyr290His; replaces tyrosine 290 with histidine.
Molecular consequence: missense variant.
Genome position (GRCh38, 1-based): chr8:47,943,307, A>G on the plus strand (T>C on the coding strand, the complement: PRKDC is on the minus strand). VCF-style: chr8-47943307-A-G. GRCh37 (hg19) VCF-style: chr8-48855867-A-G.
Other names: c.868T>C, p.Tyr290His (NM_001081640.2); short protein forms Y290H.
Identifiers: ClinVar variation 1764320 (VCV001764320.2), dbSNP rs778320605, ClinGen allele CA4741897.

ClinVar aggregate classification (germline): Uncertain significance (1 of 4 stars; one submission).

Allele frequency attached by ClinVar (database versions not stated): gnomAD exomes below 0.00001; ExAC 0.00001.
gnomAD v4.1: 2 of 1,612,360 alleles (0.00012%); highest among the groups gnomAD compares: Non-Finnish European, 0.00017%; no homozygotes.

Submission:

Ambry Genetics
Classification: Uncertain significance. Last evaluated: 2022-03-12. Review status: criteria provided, single submitter. Criteria: Ambry Variant Classification Scheme 2023. Collection method: clinical testing. Allele origin: germline.
Comment: The p.Y290H variant (also known as c.868T>C), located in coding exon 10 of the PRKDC gene, results from a T to C substitution at nucleotide position 868. The tyrosine at codon 290 is replaced by histidine, an amino acid with similar properties. This amino acid position is conserved. In addition, the in silico prediction for this alteration is inconclusive. Since supporting evidence is limited at this time, the clinical significance of this alteration remains unclear.